The following is an entry in ClinVar:

NM_030973.4(MED25):c.2137C>T (p.Pro713Ser)

Gene: MED25 (mediator complex subunit 25; plus strand). Cytogenetic location: 19q13.33.
Variant type: single nucleotide variant.
Coding change: c.2137C>T on transcript NM_030973.4 (MANE Select); coding-DNA position 2137, C replaced by T.
Protein change: p.Pro713Ser; replaces proline 713 with serine.
Molecular consequence: missense variant.
Genome position (GRCh38, 1-based): chr19:49,836,397, C>T. VCF-style: chr19-49836397-C-T. GRCh37 (hg19) VCF-style: chr19-50339654-C-T.
Other names: c.2137C>T, p.Pro713Ser (NM_001378355.1); short protein forms P713S.
Identifiers: ClinVar variation 2095760 (VCV002095760.4), dbSNP rs2514522023, ClinGen allele CA406921869.

ClinVar aggregate classification (germline): Uncertain significance (1 of 4 stars; one submission).

Conditions:
Charcot-Marie-Tooth disease type 2. Also called: Charcot-Marie-Tooth type 2. Identifiers: Orphanet 64746, MedGen C0270914, MONDO:0018993.

Submission:

Labcorp Genetics (formerly Invitae), Labcorp
Classification: Uncertain significance for Charcot-Marie-Tooth disease type 2. Last evaluated: 2022-02-09. Review status: criteria provided, single submitter. Criteria: Invitae Variant Classification Sherloc (09022015). Collection method: clinical testing. Allele origin: germline.
Comment: This sequence change replaces proline, which is neutral and non-polar, with serine, which is neutral and polar, at codon 713 of the MED25 protein (p.Pro713Ser). This variant is not present in population databases (gnomAD no frequency). This variant has not been reported in the literature in individuals affected with MED25-related conditions. Algorithms developed to predict the effect of missense changes on protein structure and function output the following: SIFT: "Deleterious"; PolyPhen-2: "Probably Damaging"; Align-GVGD: "Class C0". The serine amino acid residue is found in multiple mammalian species, which suggests that this missense change does not adversely affect protein function. In summary, the available evidence is currently insufficient to determine the role of this variant in disease. Therefore, it has been classified as a Variant of Uncertain Significance.